The following is an entry in ClinVar:

ClinVar aggregate classification (germline): Uncertain significance (1 of 4 stars; one submission).

Allele frequency attached by ClinVar (database versions not stated): TOPMed below 0.00001; gnomAD 0.00001.
gnomAD v4.1: 3 of 1,464,958 alleles (0.0002%); highest among the groups gnomAD compares: Non-Finnish European, 0.00027%; no homozygotes.

Submission:

Labcorp Genetics (formerly Invitae), Labcorp
Classification: Uncertain significance. Last evaluated: 2024-03-30. Review status: criteria provided, single submitter. Criteria: Invitae Variant Classification Sherloc (09022015). Collection method: clinical testing. Allele origin: germline.
Comment: This sequence change replaces glutamic acid, which is acidic and polar, with lysine, which is basic and polar, at codon 20 of the RP9 protein (p.Glu20Lys). This variant is not present in population databases (gnomAD no frequency). This variant has not been reported in the literature in individuals affected with RP9-related conditions. ClinVar contains an entry for this variant (Variation ID: 1463983). An algorithm developed to predict the effect of missense changes on protein structure and function (PolyPhen-2) suggests that this variant is likely to be disruptive. In summary, the available evidence is currently insufficient to determine the role of this variant in disease. Therefore, it has been classified as a Variant of Uncertain Significance.

NM_203288.2(RP9):c.58G>A (p.Glu20Lys)

Genes: RP9 (RP9 pre-mRNA splicing factor; minus strand), LOC129998225 (ATAC-STARR-seq lymphoblastoid silent region 18090; plus strand). Cytogenetic location: 7p14.3.
Variant type: single nucleotide variant.
Coding change: c.58G>A on transcript NM_203288.2 (MANE Select); coding-DNA position 58, G replaced by A.
Protein change: p.Glu20Lys; replaces glutamic acid 20 with lysine.
Molecular consequence: missense variant.
Genome position (GRCh38, 1-based): chr7:33,109,315, C>T on the plus strand (G>A on the coding strand, the complement: RP9 is on the minus strand). VCF-style: chr7-33109315-C-T. GRCh37 (hg19) VCF-style: chr7-33148927-C-T.
Other names: short protein forms E20K.
Identifiers: ClinVar variation 1463983 (VCV001463983.6), dbSNP rs1788547914, ClinGen allele CA367185378.